The following is an entry in ClinVar:

ClinVar aggregate classification (germline): Uncertain significance (1 of 4 stars; one submission).

Conditions:
Fanconi anemia (FA). Also called: Fanconi's anemia. Identifiers: Orphanet 84, MedGen C0015625, MeSH D005199, MONDO:0019391.

Allele frequency attached by ClinVar (database versions not stated): gnomAD exomes below 0.00001; gnomAD 0.00001.
gnomAD v4.1: 3 of 1,614,094 alleles (0.00019%); highest among the groups gnomAD compares: East Asian, 0.0022%; no homozygotes.

Submission:

Labcorp Genetics (formerly Invitae), Labcorp
Classification: Uncertain significance for Fanconi anemia. Last evaluated: 2023-02-09. Review status: criteria provided, single submitter. Criteria: Invitae Variant Classification Sherloc (09022015). Collection method: clinical testing. Allele origin: germline.
Comment: This sequence change replaces valine, which is neutral and non-polar, with alanine, which is neutral and non-polar, at codon 276 of the FANCI protein (p.Val276Ala). This variant is not present in population databases (gnomAD no frequency). This variant has not been reported in the literature in individuals affected with FANCI-related conditions. Algorithms developed to predict the effect of missense changes on protein structure and function (SIFT, PolyPhen-2, Align-GVGD) all suggest that this variant is likely to be tolerated. In summary, the available evidence is currently insufficient to determine the role of this variant in disease. Therefore, it has been classified as a Variant of Uncertain Significance.

NM_001113378.2(FANCI):c.827T>C (p.Val276Ala)

Gene: FANCI (FA complementation group I; plus strand). Cytogenetic location: 15q26.1.
Variant type: single nucleotide variant.
Coding change: c.827T>C on transcript NM_001113378.2 (MANE Select); coding-DNA position 827, T replaced by C.
Protein change: p.Val276Ala; replaces valine 276 with alanine.
Molecular consequence: missense variant.
Genome position (GRCh38, 1-based): chr15:89,268,470, T>C. VCF-style: chr15-89268470-T-C. GRCh37 (hg19) VCF-style: chr15-89811701-T-C.
Other names: c.548T>C, p.Val183Ala (NM_001376910.1); c.827T>C, p.Val276Ala (NM_001376911.1, NM_018193.3); short protein forms V276A, V183A.
Identifiers: ClinVar variation 2977836 (VCV002977836.3), dbSNP rs2053064752, ClinGen allele CA393740181.